The following is an entry in ClinVar:

ClinVar aggregate classification (germline): Likely pathogenic (1 of 4 stars; one submission).

Submission:

Clinical Genomics Laboratory, Laboratory for Precision Diagnostics, University of Washington
Classification: Likely pathogenic. Last evaluated: 2022-05-31. Review status: criteria provided, single submitter. Criteria: ACMG/ClinGen CNV Guidelines, 2019. Collection method: clinical testing. Allele origin: unknown. Affected: yes. Observed: 1 variant allele.
Comment: This interstitial duplication is approximately 1.3 Mb in size and encompasses a portion or all of 14 protein-coding genes. This recurrent 16p13.11 microduplication has been associated with variety of features. The most frequent include speech and language delay, learning difficulties or intellectual disability, autism spectrum disorders, and congenital heart defects. Upwards of 90% of people with the 16p13.11 microduplication have inherited it from a parent who has milder or even no manifestations. This, along with the presence of this duplication in a database of copy number variants found in healthy control groups, is evidence of incomplete penetrance. Penetrance has been estimated at 7-8%. Some authors have suggested that this duplication may be a risk factor for neurodevelopmental disorders that requires additional genetic or environmental factors to be expressed.

Literature cited by the submitters: PubMed 30287593; PubMed 30767844.

GRCh38/hg38 16p13.11(chr16:14881435-16198126)x3

Genes: MIR3180-4 (microRNA 3180-4), MIR3670-1 (microRNA 3670-1), MIR484 (microRNA 484; plus strand), MIR6506 (microRNA 6506; minus strand), MIR6511A1 (microRNA 6511a-1) and 40 more. Cytogenetic location: 16p13.11.
Variant type: copy number gain.
Change: copy number 3 (three copies instead of two) of chr16:14,881,435-16,198,126 (1.32 Mb, GRCh38 coordinates, 1-based), cytogenetic band 16p13.11.
Identifiers: ClinVar variation 4852030 (VCV004852030.1).